The following is an entry in ClinVar:

NM_002875.5(RAD51):c.897A>T (p.Arg299Ser)

Gene: RAD51 (RAD51 recombinase; plus strand). Cytogenetic location: 15q15.1.
Variant type: single nucleotide variant.
Coding change: c.897A>T on transcript NM_002875.5 (MANE Select); coding-DNA position 897, A replaced by T.
Protein change: p.Arg299Ser; replaces arginine 299 with serine.
Molecular consequence: missense variant.
Genome position (GRCh38, 1-based): chr15:40,731,055, A>T. VCF-style: chr15-40731055-A-T. GRCh37 (hg19) VCF-style: chr15-41023253-A-T.
Other names: c.900A>T, p.Arg300Ser (NM_001164269.2, NM_133487.4); c.775A>T, p.Ile259Phe (NM_001164270.2); short protein forms R300S, I259F, R299S.
Identifiers: ClinVar variation 1765300 (VCV001765300.2), dbSNP rs2504537192, ClinGen allele CA391760511.

ClinVar aggregate classification (germline): Uncertain significance (1 of 4 stars; one submission).

Conditions:
Inborn genetic diseases. Identifiers: MedGen C0950123, MeSH D030342.

Submission:

Ambry Genetics
Classification: Uncertain significance for Inborn genetic diseases. Last evaluated: 2021-12-11. Review status: criteria provided, single submitter. Criteria: Ambry Variant Classification Scheme 2023. Collection method: clinical testing. Allele origin: germline.
Comment: The p.R299S variant (also known as c.897A>T) is located in coding exon 9 of the RAD51 gene. The arginine at codon 299 is replaced by serine, an amino acid with dissimilar properties. This change occurs in the first base pair of coding exon 9. This amino acid position is conserved. In addition, this alteration is predicted to be tolerated by in silico analysis. Since supporting evidence is limited at this time, the clinical significance of this alteration remains unclear.